The following is an entry in ClinVar:

NM_000548.5(TSC2):c.3883+2T>G

Gene: TSC2 (TSC complex subunit 2; plus strand). Cytogenetic location: 16p13.3.
Variant type: single nucleotide variant.
Coding change: c.3883+2T>G on transcript NM_000548.5 (MANE Select); the canonical splice donor site of the intron after coding-DNA position 3883, T replaced by G.
Molecular consequence: splice donor variant. On other transcripts: synonymous variant (1), intron variant (33).
Genome position (GRCh38, 1-based): chr16:2,082,506, T>G. VCF-style: chr16-2082506-T-G. GRCh37 (hg19) VCF-style: chr16-2132507-T-G.
Other names: c.3753T>G, p.Gly1251= (NM_001406665.1); c.2341+708T>G (NM_001406693.1, NM_001406692.1, NM_001406694.1); c.3775+708T>G (NM_001406667.1); c.3772+708T>G (NM_001406668.1); c.3283+2T>G (NM_001406680.1); c.3214+708T>G (NM_001406683.1, NM_001406682.1); c.3082+708T>G (NM_001406687.1, NM_001406688.1); c.2470+708T>G (NM_001406689.1); and 26 more.
Identifiers: ClinVar variation 1314110 (VCV001314110.2), dbSNP rs2090269194, ClinGen allele CA394295356.

ClinVar aggregate classification (germline): Uncertain significance (1 of 4 stars; one submission).

Submission:

GeneDx
Classification: Uncertain significance. Last evaluated: 2021-02-15. Review status: criteria provided, single submitter. Criteria: GeneDx Variant Classification Process June 2021. Collection method: clinical testing. Allele origin: germline. Affected: yes.
Comment: Not observed in large population cohorts (Lek et al., 2016); Current evidence indicates that variants in exon 32 (referred to as exon 31 by alternate numbering) are unlikely to cause tuberous sclerosis (Ekong et al., 2016); Loss-of-function variants in this exon have been identified in the published literature and at GeneDx in individuals who do not have features of tuberous sclerosis complex (Ekong et al., 2016); RNA expression analysis revealed an abundance of transcripts lacking this exon in multiple normal tissue types from healthy adults, and in vitro studies indicate that this exon is not essential for normal functional activity of the TSC complex (Ekong et al., 2016); Has not been previously published as pathogenic or benign to our knowledge; This variant is associated with the following publications: (PMID: 26703369)